The following is an entry in ClinVar:

NM_001330.5(CTF1):c.389G>A (p.Arg130Gln)

Genes: CTF1 (cardiotrophin 1; plus strand), LOC130058878 (ATAC-STARR-seq lymphoblastoid silent region 7400; plus strand). Cytogenetic location: 16p11.2.
Variant type: single nucleotide variant.
Coding change: c.389G>A on transcript NM_001330.5 (MANE Select); coding-DNA position 389, G replaced by A.
Protein change: p.Arg130Gln; replaces arginine 130 with glutamine.
Molecular consequence: missense variant. On other transcripts: non-coding transcript variant (1).
Genome position (GRCh38, 1-based): chr16:30,902,322, G>A. VCF-style: chr16-30902322-G-A. GRCh37 (hg19) VCF-style: chr16-30913643-G-A.
Other names: c.386G>A, p.Arg129Gln (NM_001142544.3); short protein forms R129Q, R130Q.
Identifiers: ClinVar variation 1380867 (VCV001380867.8), dbSNP rs2055409690, ClinGen allele CA395619060.

ClinVar aggregate classification (germline): Uncertain significance (1 of 4 stars; one submission).

Allele frequency attached by ClinVar (database versions not stated): gnomAD 0.00001.
gnomAD v4.1: 3 of 1,016,574 alleles (0.0003%); highest among the groups gnomAD compares: Non-Finnish European, 0.00035%; no homozygotes.

Submission:

Labcorp Genetics (formerly Invitae), Labcorp
Classification: Uncertain significance. Last evaluated: 2025-11-11. Review status: criteria provided, single submitter. Criteria: Invitae Variant Classification Sherloc (09022015). Collection method: clinical testing. Allele origin: germline.
Comment: This sequence change replaces arginine, which is basic and polar, with glutamine, which is neutral and polar, at codon 130 of the CTF1 protein (p.Arg130Gln). The frequency data for this variant in the population databases is considered unreliable, as metrics indicate insufficient coverage at this position in the gnomAD database. This variant has not been reported in the literature in individuals affected with CTF1-related conditions. ClinVar contains an entry for this variant (Variation ID: 1380867). An algorithm developed to predict the effect of missense changes on protein structure and function (PolyPhen-2) suggests that this variant is likely to be tolerated. In summary, the available evidence is currently insufficient to determine the role of this variant in disease. Therefore, it has been classified as a Variant of Uncertain Significance.